The following is an entry in ClinVar:

ClinVar aggregate classification (germline): Uncertain significance. Review status: criteria provided, multiple submitters, no conflicts (2 of 4 stars). 2 submissions from 2 submitters: Uncertain significance (2). Last evaluated 2025-03-28.

Conditions:
Hereditary cancer-predisposing syndrome. Also called: Neoplastic Syndromes, Hereditary; Hereditary Cancer Syndrome; Tumor predisposition; Hereditary neoplastic syndrome. Identifiers: Orphanet 140162, MedGen C0027672, MeSH D009386, MONDO:0015356.
Oligodontia-cancer predisposition syndrome. Also called: TOOTH AGENESIS-COLORECTAL CANCER SYNDROME. Identifiers: Orphanet 300576, MedGen C1837750, MONDO:0012075, OMIM 608615. Disease mechanism: loss of function.

Submissions (2):

Ambry Genetics
Classification: Uncertain significance for Hereditary cancer-predisposing syndrome. Last evaluated: 2025-03-28. Review status: criteria provided, single submitter. Criteria: Ambry Variant Classification Scheme 2023. Collection method: clinical testing. Allele origin: germline.
Comment: The p.E405V variant (also known as c.1214A>T), located in coding exon 5 of the AXIN2 gene, results from an A to T substitution at nucleotide position 1214. The glutamic acid at codon 405 is replaced by valine, an amino acid with dissimilar properties. This amino acid position is conserved. In addition, the in silico prediction for this alteration is inconclusive. Based on the available evidence, the clinical significance of this variant remains unclear.

Labcorp Genetics (formerly Invitae), Labcorp
Classification: Uncertain significance for Oligodontia-cancer predisposition syndrome. Last evaluated: 2024-08-29. Review status: criteria provided, single submitter. Criteria: Invitae Variant Classification Sherloc (09022015). Collection method: clinical testing. Allele origin: germline.
Comment: This sequence change replaces glutamic acid, which is acidic and polar, with valine, which is neutral and non-polar, at codon 405 of the AXIN2 protein (p.Glu405Val). This variant is not present in population databases (gnomAD no frequency). This variant has not been reported in the literature in individuals affected with AXIN2-related conditions. ClinVar contains an entry for this variant (Variation ID: 582162). Invitae Evidence Modeling of protein sequence and biophysical properties (such as structural, functional, and spatial information, amino acid conservation, physicochemical variation, residue mobility, and thermodynamic stability) indicates that this missense variant is not expected to disrupt AXIN2 protein function with a negative predictive value of 80%. In summary, the available evidence is currently insufficient to determine the role of this variant in disease. Therefore, it has been classified as a Variant of Uncertain Significance.

NM_004655.4(AXIN2):c.1214A>T (p.Glu405Val)

Gene: AXIN2 (axin 2; minus strand). Cytogenetic location: 17q24.1.
Variant type: single nucleotide variant.
Coding change: c.1214A>T on transcript NM_004655.4 (MANE Select); coding-DNA position 1214, A replaced by T.
Protein change: p.Glu405Val; replaces glutamic acid 405 with valine.
Molecular consequence: missense variant.
Genome position (GRCh38, 1-based): chr17:65,537,822, T>A on the plus strand (A>T on the coding strand, the complement: AXIN2 is on the minus strand). VCF-style: chr17-65537822-T-A. GRCh37 (hg19) VCF-style: chr17-63533940-T-A.
Other names: c.1214A>T (LRG_296t1); c.1214A>T, p.Glu405Val (NM_001363813.1); short protein forms E405V.
Identifiers: ClinVar variation 582162 (VCV000582162.7), dbSNP rs376701878, ClinGen allele CA400677949.
Genomic context (GRCh38, chr17:65,537,822, plus strand): 5'-AGGGAGAGGGGGTGCTGCGTGGGCGCCCCCTCCCGCGAATTGAGTGTGAGCTCGGAGCCC[T>A]CTCTCTCTTCATCCTGAAAGGGAAGACGTCAGAAGGAGAAGTGACCCAGGAAGCAGAAGG-3'
Protein context (NP_004646.3, residues 395-415): LQQIREDEER[Glu405Val]GSELTLNSRE